The following is an entry in ClinVar:

NM_017649.5(CNNM2):c.816C>G (p.Phe272Leu)

Gene: CNNM2 (cyclin and CBS domain divalent metal cation transport mediator 2; plus strand). Cytogenetic location: 10q24.32.
Variant type: single nucleotide variant.
Coding change: c.816C>G on transcript NM_017649.5 (MANE Select); coding-DNA position 816, C replaced by G.
Protein change: p.Phe272Leu; replaces phenylalanine 272 with leucine.
Molecular consequence: missense variant.
Genome position (GRCh38, 1-based): chr10:102,919,296, C>G. VCF-style: chr10-102919296-C-G. GRCh37 (hg19) VCF-style: chr10-104679053-C-G.
Other names: c.816C>G, p.Phe272Leu (NM_199076.3, NM_199077.3); short protein forms F272L.
Identifiers: ClinVar variation 1806800 (VCV001806800.1), dbSNP rs2493375231, ClinGen allele CA377957970.

ClinVar aggregate classification (germline): Uncertain significance (1 of 4 stars; one submission).

Submission:

GeneDx
Classification: Uncertain significance. Last evaluated: 2022-06-27. Review status: criteria provided, single submitter. Criteria: GeneDx Variant Classification Process June 2021. Collection method: clinical testing. Allele origin: germline. Affected: yes.
Comment: Not observed at significant frequency in large population cohorts (gnomAD); In silico analysis supports that this missense variant has a deleterious effect on protein structure/function; Has not been previously published as pathogenic or benign to our knowledge